The following is an entry in ClinVar:

NM_006441.4(MTHFS):c.283A>G (p.Ile95Val)

Genes: MTHFS (methenyltetrahydrofolate synthetase; minus strand), ST20-MTHFS (ST20-MTHFS readthrough; minus strand). Cytogenetic location: 15q25.1.
Variant type: single nucleotide variant.
Coding change: c.283A>G on transcript NM_006441.4 (MANE Select); coding-DNA position 283, A replaced by G.
Protein change: p.Ile95Val; replaces isoleucine 95 with valine.
Molecular consequence: missense variant. On other transcripts: non-coding transcript variant (1).
Genome position (GRCh38, 1-based): chr15:79,889,189, T>C on the plus strand (A>G on the coding strand, the complement: MTHFS is on the minus strand). VCF-style: chr15-79889189-T-C. GRCh37 (hg19) VCF-style: chr15-80181531-T-C.
Other names: c.211A>G, p.Ile71Val (NM_001199760.2); c.112A>G, p.Ile38Val (NM_001199758.1); short protein forms I95V, I71V, I38V.
Identifiers: ClinVar variation 1974427 (VCV001974427.5), dbSNP rs1484240468, ClinGen allele CA393609568.

ClinVar aggregate classification (germline): Uncertain significance (1 of 4 stars; one submission).

Allele frequency attached by ClinVar (database versions not stated): TOPMed below 0.00001; gnomAD 0.00001.
gnomAD v4.1: 2 of 1,614,082 alleles (0.00012%); highest among the groups gnomAD compares: African/African-American, 0.0013%; no homozygotes.

Submission:

Labcorp Genetics (formerly Invitae), Labcorp
Classification: Uncertain significance. Last evaluated: 2022-08-31. Review status: criteria provided, single submitter. Criteria: Invitae Variant Classification Sherloc (09022015). Collection method: clinical testing. Allele origin: germline.
Comment: In summary, the available evidence is currently insufficient to determine the role of this variant in disease. Therefore, it has been classified as a Variant of Uncertain Significance. Algorithms developed to predict the effect of missense changes on protein structure and function (SIFT, PolyPhen-2, Align-GVGD) all suggest that this variant is likely to be tolerated. This variant has not been reported in the literature in individuals affected with MTHFS-related conditions. This variant is not present in population databases (gnomAD no frequency). This sequence change replaces isoleucine, which is neutral and non-polar, with valine, which is neutral and non-polar, at codon 95 of the MTHFS protein (p.Ile95Val).